The following is an entry in ClinVar:

ClinVar aggregate classification (germline): Uncertain significance (1 of 4 stars; one submission).

Submission:

CeGaT Center for Human Genetics Tuebingen
Classification: Uncertain significance. Last evaluated: 2023-08-01. Review status: criteria provided, single submitter. Criteria: CeGaT Center For Human Genetics Tuebingen Variant Classification Criteria Version 2. Collection method: clinical testing. Allele origin: germline. Affected: yes. Observed: 1 variant allele.
Comment: SON: PM2, PP2

NM_138927.4(SON):c.5885G>A (p.Arg1962His)

Gene: SON (SON DNA and RNA binding protein; plus strand). Cytogenetic location: 21q22.11.
Variant type: single nucleotide variant.
Coding change: c.5885G>A on transcript NM_138927.4 (MANE Select); coding-DNA position 5885, G replaced by A.
Protein change: p.Arg1962His; replaces arginine 1962 with histidine.
Molecular consequence: missense variant. On other transcripts: non-coding transcript variant (1), intron variant (1).
Genome position (GRCh38, 1-based): chr21:33,555,116, G>A. VCF-style: chr21-33555116-G-A. GRCh37 (hg19) VCF-style: chr21-34927422-G-A.
Other names: c.5885G>A, p.Arg1962His (NM_001291411.2, NM_001412133.1, NM_032195.3 and 2 more transcripts); c.245-2040G>A (NM_001291412.3); short protein forms R1962H.
Identifiers: ClinVar variation 2652624 (VCV002652624.24), dbSNP rs746705868, ClinGen allele CA10009833.